The following is an entry in ClinVar:

NM_003043.6(SLC6A6):c.382G>A (p.Val128Ile)

Gene: SLC6A6 (solute carrier family 6 member 6; plus strand). Cytogenetic location: 3p25.1.
Variant type: single nucleotide variant.
Coding change: c.382G>A on transcript NM_003043.6 (MANE Select); coding-DNA position 382, G replaced by A.
Protein change: p.Val128Ile; replaces valine 128 with isoleucine.
Molecular consequence: missense variant. On other transcripts: non-coding transcript variant (1).
Genome position (GRCh38, 1-based): chr3:14,447,599, G>A. VCF-style: chr3-14447599-G-A. GRCh37 (hg19) VCF-style: chr3-14489107-G-A.
Other names: c.685G>A, p.Val229Ile (NM_001134367.3); c.382G>A, p.Val128Ile (NM_001134368.4); short protein forms V128I, V229I.
Identifiers: ClinVar variation 3234140 (VCV003234140.20), dbSNP rs62233560, ClinGen allele CA2268224.

ClinVar aggregate classification (germline): Benign (1 of 4 stars; one submission).

Allele frequency attached by ClinVar (database versions not stated): 1000 Genomes Project 0.00539; 1000 Genomes Project 30x 0.00609; TOPMed 0.00628; ESP Exome Variant Server 0.00646; gnomAD exomes 0.01081; gnomAD 0.01092; ExAC 0.01214.
gnomAD v4.1: 17,355 of 1,614,172 alleles (1.1%); highest among the groups gnomAD compares: South Asian, 1%; 198 homozygotes.

Submission:

CeGaT Center for Human Genetics Tuebingen
Classification: Benign. Last evaluated: 2025-07-01. Review status: criteria provided, single submitter. Criteria: CeGaT Center For Human Genetics Tuebingen Variant Classification Criteria Version 2. Collection method: clinical testing. Allele origin: germline. Affected: yes. Observed: 2 variant alleles.
Comment: SLC6A6: BS1, BS2